The following is an entry in ClinVar:

ClinVar aggregate classification (germline): Uncertain significance. Review status: criteria provided, multiple submitters, no conflicts (2 of 4 stars). 4 submissions from 4 submitters: Uncertain significance (3). 1 of the submissions does not count toward it. Last evaluated 2024-01-30.

Conditions:
PMM2-congenital disorder of glycosylation. Also called: JAEKEN SYNDROME; CARBOHYDRATE-DEFICIENT GLYCOPROTEIN SYNDROME, TYPE Ia; PHOSPHOMANNOMUTASE 2 DEFICIENCY; Congenital disorder of glycosylation, type Ia; CDG Ia; PMM2-CDG. Identifiers: Orphanet 79318, MedGen C0349653, MONDO:0008907, OMIM 212065.

Allele frequency attached by ClinVar (database versions not stated): gnomAD exomes 0.00002 and 0.00003; TOPMed 0.00003; gnomAD 0.00004; ExAC 0.00006.
gnomAD v4.1: 48 of 1,569,972 alleles (0.0031%); highest among the groups gnomAD compares: Non-Finnish European, 0.004%; no homozygotes.

Submissions (4):

Fulgent Genetics
Classification: Uncertain significance for PMM2-congenital disorder of glycosylation. Last evaluated: 2024-01-30. Review status: criteria provided, single submitter. Criteria: ACMG Guidelines, 2015. Collection method: clinical testing. Allele origin: germline.

Labcorp Genetics (formerly Invitae), Labcorp
Classification: Uncertain significance for PMM2-congenital disorder of glycosylation. Last evaluated: 2022-08-20. Review status: criteria provided, single submitter. Criteria: Invitae Variant Classification Sherloc (09022015). Collection method: clinical testing. Allele origin: germline.
Comment: This sequence change replaces isoleucine, which is neutral and non-polar, with methionine, which is neutral and non-polar, at codon 142 of the PMM2 protein (p.Ile142Met). This variant is present in population databases (rs781610241, gnomAD 0.006%). This variant has not been reported in the literature in individuals affected with PMM2-related conditions. ClinVar contains an entry for this variant (Variation ID: 495798). Algorithms developed to predict the effect of missense changes on protein structure and function (SIFT, PolyPhen-2, Align-GVGD) all suggest that this variant is likely to be tolerated. In summary, the available evidence is currently insufficient to determine the role of this variant in disease. Therefore, it has been classified as a Variant of Uncertain Significance.

Women's Health and Genetics/Laboratory Corporation of America, LabCorp
Classification: Uncertain significance. Last evaluated: 2016-03-25. Review status: criteria provided, single submitter. Criteria: LabCorp Variant Classification Summary - May 2015. Collection method: clinical testing. Allele origin: germline.
Comment: Variant Summary: This PMM2 variant affects a non-conserved nucleotide, resulting in an amino acid change from Ile to Met. 3/4 in-silico tools predict this variant to be benign (SNPs&GO not captured due to low reliability index). Functional studies on this variant have not been carried out. This variant was found in 2/31948 control chromosomes at a frequency of 0.0000626, which does not exceed the maximal allele frequency of a pathogenic PMM2 variant (0.0055902). This variant has been reported in one patient with intellectual disability without a second pathogenic allele (Redin_2014) and authors predict the variant to be possibly benign. Because of limited clinical information and the lack of functional studies, the variant was classified as a variant of uncertain significance (VUS) until additional information becomes available.

Natera, Inc.
Classification: Uncertain significance for Congenital disorder of glycosylation type 1a. Last evaluated: 2019-12-30. Review status: no assertion criteria provided. Collection method: clinical testing. Allele origin: germline. Not counted in ClinVar's aggregate classification.

Literature cited by the submitters: PubMed 25167861 (cited by Women's Health and Genetics/Laboratory Corporation of America, LabCorp).

NM_000303.3(PMM2):c.426T>G (p.Ile142Met)

Gene: PMM2 (phosphomannomutase 2; plus strand). Cytogenetic location: 16p13.2.
Variant type: single nucleotide variant.
Coding change: c.426T>G on transcript NM_000303.3 (MANE Select); coding-DNA position 426, T replaced by G.
Protein change: p.Ile142Met; replaces isoleucine 142 with methionine.
Molecular consequence: missense variant.
Genome position (GRCh38, 1-based): chr16:8,811,157, T>G. VCF-style: chr16-8811157-T-G. GRCh37 (hg19) VCF-style: chr16-8905014-T-G.
Other names: short protein forms I142M.
Identifiers: ClinVar variation 495798 (VCV000495798.5), dbSNP rs781610241, ClinGen allele CA7894054.